The following is an entry in ClinVar:

NM_080605.4(B3GALT6):c.354C>G (p.Asp118Glu)

Gene: B3GALT6 (beta-1,3-galactosyltransferase 6; plus strand). Cytogenetic location: 1p36.33.
Variant type: single nucleotide variant.
Coding change: c.354C>G on transcript NM_080605.4 (MANE Select); coding-DNA position 354, C replaced by G.
Protein change: p.Asp118Glu; replaces aspartic acid 118 with glutamic acid.
Molecular consequence: missense variant.
Genome position (GRCh38, 1-based): chr1:1,232,632, C>G. VCF-style: chr1-1232632-C-G. GRCh37 (hg19) VCF-style: chr1-1168012-C-G.
Other names: short protein forms D118E.
Identifiers: ClinVar variation 1382663 (VCV001382663.8), dbSNP rs767598361, ClinGen allele CA337824748.

ClinVar aggregate classification (germline): Uncertain significance (1 of 4 stars; one submission).

Conditions:
Ehlers-Danlos syndrome, spondylodysplastic type, 2 (EDSSPD2). Also called: Ehlers-Danlos syndrome, progeroid type, 2. Identifiers: Orphanet 536467, Orphanet 75496, MedGen C3809210, MONDO:0014139, OMIM 615349.
Spondyloepimetaphyseal dysplasia with joint laxity (SEMDJL). Identifiers: MedGen C0432243, MONDO:0019675.

gnomAD v4.1: 2 of 1,271,522 alleles (0.00016%); highest among the groups gnomAD compares: African/African-American, 0.0031%; no homozygotes.

Submission:

Labcorp Genetics (formerly Invitae), Labcorp
Classification: Uncertain significance for Ehlers-Danlos syndrome, spondylodysplastic type, 2; Spondyloepimetaphyseal dysplasia with joint laxity. Last evaluated: 2022-02-04. Review status: criteria provided, single submitter. Criteria: Invitae Variant Classification Sherloc (09022015). Collection method: clinical testing. Allele origin: germline.
Comment: In summary, the available evidence is currently insufficient to determine the role of this variant in disease. Therefore, it has been classified as a Variant of Uncertain Significance. Algorithms developed to predict the effect of missense changes on protein structure and function are either unavailable or do not agree on the potential impact of this missense change (SIFT: "Deleterious"; PolyPhen-2: "Probably Damaging"; Align-GVGD: "Class C0"). This variant has not been reported in the literature in individuals affected with B3GALT6-related conditions. This sequence change replaces aspartic acid, which is acidic and polar, with glutamic acid, which is acidic and polar, at codon 118 of the B3GALT6 protein (p.Asp118Glu). This variant is not present in population databases (gnomAD no frequency).